The following is an entry in ClinVar:

ClinVar aggregate classification (germline): Uncertain significance. Review status: criteria provided, multiple submitters, no conflicts (2 of 4 stars). 2 submissions from 2 submitters: Uncertain significance (2). Last evaluated 2025-12-21.

Conditions:
Gastrointestinal stromal tumor. Also called: Gastrointestinal stroma tumor; Gastrointestinal stromal tumor, somatic. Identifiers: Orphanet 44890, MedGen C0238198, MeSH D046152, MONDO:0011719, OMIM 606764, HP:0100723.
Hereditary cancer-predisposing syndrome. Also called: Tumor predisposition; Hereditary neoplastic syndrome; Neoplastic Syndromes, Hereditary; Hereditary Cancer Syndrome. Identifiers: Orphanet 140162, MedGen C0027672, MeSH D009386, MONDO:0015356.

Submissions (2):

Labcorp Genetics (formerly Invitae), Labcorp
Classification: Uncertain significance for Gastrointestinal stromal tumor. Last evaluated: 2025-12-21. Review status: criteria provided, single submitter. Criteria: Invitae Variant Classification Sherloc (09022015). Collection method: clinical testing. Allele origin: germline.
Comment: This sequence change replaces alanine, which is neutral and non-polar, with threonine, which is neutral and polar, at codon 976 of the PDGFRA protein (p.Ala976Thr). This variant is not present in population databases (gnomAD no frequency). This variant has not been reported in the literature in individuals affected with PDGFRA-related conditions. ClinVar contains an entry for this variant (Variation ID: 459076). Invitae Evidence Modeling of protein sequence and biophysical properties (such as structural, functional, and spatial information, amino acid conservation, physicochemical variation, residue mobility, and thermodynamic stability) indicates that this missense variant is not expected to disrupt PDGFRA protein function with a negative predictive value of 80%. In summary, the available evidence is currently insufficient to determine the role of this variant in disease. Therefore, it has been classified as a Variant of Uncertain Significance.

Ambry Genetics
Classification: Uncertain significance for Hereditary cancer-predisposing syndrome. Last evaluated: 2022-01-15. Review status: criteria provided, single submitter. Criteria: Ambry Variant Classification Scheme 2023. Collection method: clinical testing. Allele origin: germline.
Comment: The p.A976T variant (also known as c.2926G>A), located in coding exon 21 of the PDGFRA gene, results from a G to A substitution at nucleotide position 2926. The alanine at codon 976 is replaced by threonine, an amino acid with similar properties. This amino acid position is conserved. In addition, the in silico prediction for this alteration is inconclusive. Since supporting evidence is limited at this time, the clinical significance of this alteration remains unclear.

NM_006206.6(PDGFRA):c.2926G>A (p.Ala976Thr)

Gene: PDGFRA (platelet derived growth factor receptor alpha; plus strand). Cytogenetic location: 4q12.
Variant type: single nucleotide variant.
Coding change: c.2926G>A on transcript NM_006206.6 (MANE Select); coding-DNA position 2926, G replaced by A.
Protein change: p.Ala976Thr; replaces alanine 976 with threonine.
Molecular consequence: missense variant.
Genome position (GRCh38, 1-based): chr4:54,290,358, G>A. VCF-style: chr4-54290358-G-A. GRCh37 (hg19) VCF-style: chr4-55156525-G-A.
Other names: c.3001G>A, p.Ala1001Thr (NM_001347828.2); c.2926G>A, p.Ala976Thr (NM_001347829.2); c.2965G>A, p.Ala989Thr (NM_001347830.2); short protein forms A976T, A1001T, A989T.
Identifiers: ClinVar variation 459076 (VCV000459076.13), dbSNP rs1007954435, ClinGen allele CA356896009.